The following is an entry in ClinVar:

NM_006922.4(SCN3A):c.5638G>A (p.Ala1880Thr)

Gene: SCN3A (sodium voltage-gated channel alpha subunit 3; minus strand). Cytogenetic location: 2q24.3.
Variant type: single nucleotide variant.
Coding change: c.5638G>A on transcript NM_006922.4 (MANE Select); coding-DNA position 5638, G replaced by A.
Protein change: p.Ala1880Thr; replaces alanine 1880 with threonine.
Molecular consequence: missense variant.
Genome position (GRCh38, 1-based): chr2:165,090,515, C>T on the plus strand (G>A on the coding strand, the complement: SCN3A is on the minus strand). VCF-style: chr2-165090515-C-T. GRCh37 (hg19) VCF-style: chr2-165947025-C-T.
Other names: c.5491G>A, p.Ala1831Thr (NM_001081676.2, NM_001081677.2); short protein forms A1831T, A1880T.
Identifiers: ClinVar variation 645164 (VCV000645164.7), dbSNP rs991413984, ClinGen allele CA349010678.

ClinVar aggregate classification (germline): Uncertain significance. Review status: criteria provided, multiple submitters, no conflicts (2 of 4 stars). 2 submissions from 2 submitters: Uncertain significance (2). Last evaluated 2026-02-23.

Allele frequency attached by ClinVar (database versions not stated): gnomAD exomes below 0.00001; TOPMed below 0.00001.
gnomAD v4.1: 5 of 1,613,984 alleles (0.00031%); highest among the groups gnomAD compares: Non-Finnish European, 0.00034%; no homozygotes.

Submissions (2):

GeneDx
Classification: Uncertain significance. Last evaluated: 2026-02-23. Review status: criteria provided, single submitter. Criteria: GeneDx Variant Classification Process June 2021. Collection method: clinical testing. Allele origin: germline.
Comment: Not observed at significant frequency in large population cohorts (gnomAD); In silico analysis supports that this missense variant has a deleterious effect on protein structure/function; Has not been previously published as pathogenic or benign to our knowledge

Labcorp Genetics (formerly Invitae), Labcorp
Classification: Uncertain significance. Last evaluated: 2025-05-29. Review status: criteria provided, single submitter. Criteria: Invitae Variant Classification Sherloc (09022015). Collection method: clinical testing. Allele origin: germline.
Comment: This sequence change replaces alanine, which is neutral and non-polar, with threonine, which is neutral and polar, at codon 1880 of the SCN3A protein (p.Ala1880Thr). This variant is not present in population databases (gnomAD no frequency). This variant has not been reported in the literature in individuals affected with SCN3A-related conditions. ClinVar contains an entry for this variant (Variation ID: 645164). Invitae Evidence Modeling of protein sequence and biophysical properties (such as structural, functional, and spatial information, amino acid conservation, physicochemical variation, residue mobility, and thermodynamic stability) indicates that this missense variant is not expected to disrupt SCN3A protein function with a negative predictive value of 80%. In summary, the available evidence is currently insufficient to determine the role of this variant in disease. Therefore, it has been classified as a Variant of Uncertain Significance.